The following is an entry in ClinVar:

ClinVar aggregate classification (germline): Likely pathogenic. Review status: criteria provided, single submitter (1 of 4 stars). 2 submissions from 2 submitters: Likely pathogenic (1). 1 of the submissions does not count toward it. Last evaluated 2025-07-07.

Conditions:
Leber congenital amaurosis 7 (LCA7). Identifiers: Orphanet 65, MedGen C3151192, MONDO:0013449, OMIM 613829.
Cone-rod dystrophy 2 (CORD2). Also called: CONE-ROD RETINAL DYSTROPHY; Cone-rod retinal dystrophy 2. Identifiers: Orphanet 1872, MedGen C3489532, MONDO:0007362, OMIM 120970.

Submissions (2):

Labcorp Genetics (formerly Invitae), Labcorp
Classification: Likely pathogenic for Cone-rod dystrophy 2; Leber congenital amaurosis 7. Last evaluated: 2025-07-07. Review status: criteria provided, single submitter. Criteria: Invitae Variant Classification Sherloc (09022015). Collection method: clinical testing. Allele origin: germline.
Comment: This sequence change disrupts the translational stop signal of the CRX mRNA. It is expected to extend the length of the CRX protein by 118 additional amino acid residues. This variant is not present in population databases (gnomAD no frequency). This protein extension has been observed in individuals with clinical features of Leber congenital amaurosis (PMID: 37239417; internal data). ClinVar contains an entry for this variant (Variation ID: 829982). This variant results in an extension of the CRX protein. Other variant(s) that result in a similarly extended protein product (p.*300Trpext*118) have been observed in individuals with CRX-related disease (PMID: 24265693, 37239417). This suggests that these extensions may be clinically significant. In summary, the currently available evidence indicates that the variant is pathogenic, but additional data are needed to prove that conclusively. Therefore, this variant has been classified as Likely Pathogenic.

Bioscientia Institut fuer Medizinische Diagnostik GmbH, Sonic Healthcare
Classification: Likely pathogenic for Cone-rod dystrophy 2. Last evaluated: 2019-06-24. Review status: no assertion criteria provided. Collection method: clinical testing. Allele origin: germline. Affected: yes. Not counted in ClinVar's aggregate classification.

Literature cited by the submitters: PubMed 37239417 (cited by Labcorp Genetics (formerly Invitae), Labcorp); PubMed 24265693 (cited by Labcorp Genetics (formerly Invitae), Labcorp).

NM_000554.6(CRX):c.898T>C (p.Ter300Gln)

Gene: CRX (cone-rod homeobox; plus strand). Cytogenetic location: 19q13.33.
Variant type: single nucleotide variant.
Coding change: c.898T>C on transcript NM_000554.6 (MANE Select); coding-DNA position 898, T replaced by C.
Protein change: p.Ter300Gln.
Molecular consequence: stop lost.
Genome position (GRCh38, 1-based): chr19:47,839,965, T>C. VCF-style: chr19-47839965-T-C. GRCh37 (hg19) VCF-style: chr19-48343222-T-C.
Other names: *300Q.
Identifiers: ClinVar variation 829982 (VCV000829982.4), dbSNP rs1599992745, ClinGen allele CA406632165.